The following is an entry in ClinVar:

ClinVar aggregate classification (germline): Uncertain significance (1 of 4 stars; one submission).

Submission:

GeneDx
Classification: Uncertain significance. Last evaluated: 2026-02-21. Review status: criteria provided, single submitter. Criteria: GeneDx Variant Classification Process June 2021. Collection method: clinical testing. Allele origin: germline.
Comment: Not observed at significant frequency in large population cohorts (gnomAD); In silico analysis supports that this missense variant has a deleterious effect on protein structure/function; Has not been previously published as pathogenic or benign to our knowledge

NM_000218.3(KCNQ1):c.1271A>C (p.Lys424Thr)

Gene: KCNQ1 (potassium voltage-gated channel subfamily Q member 1; plus strand). Cytogenetic location: 11p15.5.
Variant type: single nucleotide variant.
Coding change: c.1271A>C on transcript NM_000218.3 (MANE Select); coding-DNA position 1271, A replaced by C.
Protein change: p.Lys424Thr; replaces lysine 424 with threonine.
Molecular consequence: missense variant.
Genome position (GRCh38, 1-based): chr11:2,588,732, A>C. VCF-style: chr11-2588732-A-C. GRCh37 (hg19) VCF-style: chr11-2609962-A-C.
Other names: c.1175A>C, p.Lys392Thr (NM_001406836.1); c.1001A>C, p.Lys334Thr (NM_001406837.1); c.731A>C, p.Lys244Thr (NM_001406838.1); c.890A>C, p.Lys297Thr (NM_181798.2); short protein forms K424T, K334T, K244T, K297T, K392T.
Identifiers: ClinVar variation 5008460 (VCV005008460.1).